The following is an entry in ClinVar:

NM_000350.3(ABCA4):c.6721C>G (p.Leu2241Val)

Gene: ABCA4 (ATP binding cassette subfamily A member 4; minus strand). Cytogenetic location: 1p22.1.
Variant type: single nucleotide variant.
Coding change: c.6721C>G on transcript NM_000350.3 (MANE Select); coding-DNA position 6721, C replaced by G.
Protein change: p.Leu2241Val; replaces leucine 2241 with valine.
Molecular consequence: missense variant.
Genome position (GRCh38, 1-based): chr1:93,997,869, G>C on the plus strand (C>G on the coding strand, the complement: ABCA4 is on the minus strand). VCF-style: chr1-93997869-G-C. GRCh37 (hg19) VCF-style: chr1-94463425-G-C.
Other names: NP_000341.2:p.(Leu2241Val); c.6499C>G, p.Leu2167Val (NM_001425324.1); short protein forms L2241V, L2167V.
Identifiers: ClinVar variation 99487 (VCV000099487.58), dbSNP rs61748521, ClinGen allele CA227439.

ClinVar aggregate classification (germline): Conflicting classifications of pathogenicity. Review status: criteria provided, conflicting classifications (1 of 4 stars). 9 submissions from 9 submitters: Pathogenic (3); Likely pathogenic (4); Uncertain significance (1). 1 of the submissions does not count toward it. Last evaluated 2025-11-26.

Conditions:
ABCA4-related retinopathy. Also called: ABCA4-related retinoapthy; ABCA4 retinoapthy. Identifiers: MedGen CN322612, MONDO:0800406.
ABCA4-related disorder. Also called: ABCA4-related condition; ABCA4-related disorders. Identifiers: MedGen CN239167.
Retinal dystrophy. Also called: Inherited retinal dystrophy. Identifiers: Orphanet 71862, MedGen C0854723, MeSH D058499, MONDO:0019118, HP:0000556.
Stargardt disease (FFM). Also called: Fundus flavimaculatus; Stargardt's disease. Identifiers: Orphanet 827, MedGen C0271093, MONDO:0019353.
Severe early-childhood-onset retinal dystrophy (STGD1). Also called: MACULAR DYSTROPHY WITH FLECKS, TYPE 1; STGD; Stargardt macular dystrophy; Juvenile onset macular degeneration; Stargardt disease 1. Identifiers: Orphanet 364055, Orphanet 827, MedGen C1855465, MeSH D000080362, MONDO:0009549, OMIM 248200.

Allele frequency attached by ClinVar (database versions not stated): gnomAD 0.00003; TOPMed 0.00007; ESP Exome Variant Server 0.00008; 1000 Genomes Project 30x 0.00016; 1000 Genomes Project 0.00020.
gnomAD v4.1: 150 of 1,614,110 alleles (0.0093%); highest among the groups gnomAD compares: Middle Eastern, 0.05%; no homozygotes.

Submissions (9):

Dasa
Classification: Likely pathogenic for ABCA4-related retinopathy. Last evaluated: 2025-11-26. Review status: criteria provided, single submitter. Criteria: DASA Assertion Criteria. Collection method: clinical testing. Allele origin: germline.
Comment: NM_000350.3(ABCA4):c.6721C>G (p.Leu2241Val) is a missense variant that results in the substitution of leucine with valine. The affected residue or protein region has prior evidence supporting clinical relevance. This variant has been recurrently observed in individuals with ABCA4-related disorders (PMID: 30563929; PMID: 36909829). Also, this variant is rare in population databases. Computational evidence supports a deleterious effect. Based on the currently available evidence, this variant is classified as likely pathogenic.

PreventionGenetics, part of Exact Sciences
Classification: Likely pathogenic for ABCA4-related condition. Last evaluated: 2025-11-04. Review status: criteria provided, single submitter. Criteria: ACMG Guidelines, 2015. Collection method: clinical testing. Allele origin: germline.
Comment: The ABCA4 c.6721C>G variant is predicted to result in the amino acid substitution p.Leu2241Val. This variant has been reported along with a second ABCA4 variant in many individuals with retinal disease (see for examples: Fujinami et al. 2018. PubMed ID: 29925512; Table S10, Khan et al. 2020. PubMed ID: 32307445; Table S2, Weisschuh et al. 2020. PubMed ID: 32531858; Table S1, Lin et al. 2024. PubMed ID: 38219857). An alternate missense change affecting the same amino acid (p.Leu2241Pro) has also been reported along with a second ABCA4 variant in individuals with retinal disease (Xiang et al. 2019. PubMed ID: 30563929). The c.6721C>G (p.Leu2241Val) variant is present in 0.020% of alleles in individuals of European (Non-Finnish) descent in gnomAD, and a study of the frequency of this variant in affected individuals versus the general population has classified this variant as having mild severity (Table S2A, Cornelis et al. 2022. PubMed ID: 35120629). Given the evidence, we interpret this variant as likely pathogenic.

Labcorp Genetics (formerly Invitae), Labcorp
Classification: Pathogenic. Last evaluated: 2025-10-31. Review status: criteria provided, single submitter. Criteria: Invitae Variant Classification Sherloc (09022015). Collection method: clinical testing. Allele origin: germline.
Comment: This sequence change replaces leucine, which is neutral and non-polar, with valine, which is neutral and non-polar, at codon 2241 of the ABCA4 protein (p.Leu2241Val). This variant is present in population databases (rs61748521, gnomAD 0.02%). This missense change has been observed in individual(s) with Stargardt disease (PMID: 29925512; internal data). ClinVar contains an entry for this variant (Variation ID: 99487). Invitae Evidence Modeling of protein sequence and biophysical properties (such as structural, functional, and spatial information, amino acid conservation, physicochemical variation, residue mobility, and thermodynamic stability) indicates that this missense variant is expected to disrupt ABCA4 protein function with a positive predictive value of 95%. For these reasons, this variant has been classified as Pathogenic.

Victorian Clinical Genetics Services, Murdoch Childrens Research Institute
Classification: Pathogenic for Severe early-childhood-onset retinal dystrophy. Last evaluated: 2024-10-09. Review status: criteria provided, single submitter. Criteria: ACMG Guidelines, 2015. Collection method: clinical testing. Allele origin: germline. Inheritance: Autosomal recessive inheritance. Affected: no.
Comment: Based on the classification scheme VCGS_Germline_v1.3.4, this variant is classified as Pathogenic. Following criteria are met: 0102 - Loss of function is a known mechanism of disease in this gene and is associated with Stargardt disease 1 (MIM#248200) and other inherited retinal diseases (OMIM). (I) 0106 - This gene is associated with autosomal recessive disease. (I) 0115 - Variants in this gene are known to have variable expressivity (PMID: 31522899). (I) 0200 - Variant is predicted to result in a missense amino acid change from leucine to valine. (I) 0251 - This variant is heterozygous. (I) 0304 - Variant is present in gnomAD (v2) <0.01 for a recessive condition (29 heterozygotes, 0 homozygotes). (SP) 0501 - Missense variant consistently predicted to be damaging by multiple in silico tools or highly conserved with a major amino acid change. (SP) 0604 - Variant is not located in an established domain, motif, hotspot or informative constraint region. (I) 0801 - This variant has strong previous evidence of pathogenicity in unrelated individuals. This variant has been classified as likely pathogenic and pathogenic by clinical laboratories in ClinVar, as well as older VUS entries. This variant has also been observed in multiple unrelated compound heterozygous individuals with Stargardt disease or macular dystrophy (PMID: 29925512, 35156991, 35260635), including as part of the complex allele p.(Leu2241Val);p.(Asn1868Ile) in three unrelated individuals (PMID: 32307445, 38003421, 36909829). (SP) 1207 - Parental origin of the variant is unresolved (by trio analysis). (I) Legend: (SP) - Supporting pathogenic, (I) - Information, (SB) - Supporting benign

Blueprint Genetics
Classification: Pathogenic for ABCA4-related disorders. Last evaluated: 2024-09-12. Review status: criteria provided, single submitter. Criteria: ACMG Guidelines, 2015. Collection method: clinical testing. Allele origin: germline. Affected: yes. Observed: 5 variant alleles.

Ophthalmic Genetics Group, Institute of Molecular and Clinical Ophthalmology Basel
Classification: Likely pathogenic for Stargardt disease. Last evaluated: 2023-07-24. Review status: criteria provided, single submitter. Criteria: ACMG Guidelines, 2015. Collection method: research. Allele origin: germline. Affected: yes. Observed: 1 variant allele.
Comment: Clinical significance based on ACMG v2.0

This variant was classified as Likely pathogenic based on ACMG criteria: PM2, PM5, PM1, PP2, PP3, PP5.

Institute of Human Genetics, Univ. Regensburg, Univ. Regensburg
Classification: Likely pathogenic for Retinal dystrophy. Last evaluated: 2021-01-01. Review status: criteria provided, single submitter. Criteria: ACMG Guidelines, 2015. Collection method: clinical testing. Allele origin: germline. Affected: yes.

CeGaT Center for Human Genetics Tuebingen
Classification: Uncertain significance. Last evaluated: 2018-06-01. Review status: criteria provided, single submitter. Criteria: CeGaT Center For Human Genetics Tuebingen Variant Classification Criteria Version 2. Collection method: clinical testing. Allele origin: germline. Affected: yes. Observed: 1 variant allele.

Retina International
No classification provided. Review status: no classification provided. Collection method: not provided. Allele origin: not provided. Not counted in ClinVar's aggregate classification.

Literature cited by the submitters: PubMed 36909829 (cited by 3 submitters); PubMed 30563929 (cited by Dasa); PubMed 29925512 (cited by 3 submitters); PubMed 31522899 (cited by Victorian Clinical Genetics Services, Murdoch Childrens Research Institute); PubMed 32307445 (cited by Victorian Clinical Genetics Services, Murdoch Childrens Research Institute and Institute of Human Genetics, Univ. Regensburg, Univ. Regensburg); PubMed 35156991 (cited by Victorian Clinical Genetics Services, Murdoch Childrens Research Institute); PubMed 35260635 (cited by Victorian Clinical Genetics Services, Murdoch Childrens Research Institute and Institute of Human Genetics, Univ. Regensburg, Univ. Regensburg); PubMed 38003421 (cited by Victorian Clinical Genetics Services, Murdoch Childrens Research Institute); PubMed 15192030 (cited by Institute of Human Genetics, Univ. Regensburg, Univ. Regensburg); PubMed 23755871 (cited by Institute of Human Genetics, Univ. Regensburg, Univ. Regensburg); PubMed 25087612 (cited by Institute of Human Genetics, Univ. Regensburg, Univ. Regensburg); PubMed 32531858 (cited by Institute of Human Genetics, Univ. Regensburg, Univ. Regensburg); PubMed 34426522 (cited by Institute of Human Genetics, Univ. Regensburg, Univ. Regensburg); PubMed 36460718 (cited by Institute of Human Genetics, Univ. Regensburg, Univ. Regensburg).